The following is an entry in ClinVar:

ClinVar aggregate classification (germline): Benign/Likely benign. Review status: criteria provided, multiple submitters, no conflicts (2 of 4 stars). 5 submissions from 5 submitters: Benign (1); Likely benign (3). 1 of the submissions does not count toward it. Last evaluated 2025-12-08.

Conditions:
Inborn genetic diseases. Identifiers: MedGen C0950123, MeSH D030342.
AHDC1-related intellectual disability - obstructive sleep apnea - mild dysmorphism syndrome. Also called: Xia-Gibbs syndrome. Identifiers: Orphanet 412069, MedGen C4014419, MONDO:0014358, OMIM 615829.
AHDC1-related disorder. Also called: AHDC1-related condition.

Allele frequency attached by ClinVar (database versions not stated): gnomAD exomes 0.00032; ExAC 0.00036; TOPMed 0.00037; ESP Exome Variant Server 0.00046.
gnomAD v4.1: 799 of 1,610,930 alleles (0.05%); highest among the groups gnomAD compares: Non-Finnish European, 0.062%; no homozygotes.

Submissions (5):

Labcorp Genetics (formerly Invitae), Labcorp
Classification: Benign. Last evaluated: 2025-12-08. Review status: criteria provided, single submitter. Criteria: Invitae Variant Classification Sherloc (09022015). Collection method: clinical testing. Allele origin: germline.

Ambry Genetics
Classification: Likely benign for Inborn genetic diseases. Last evaluated: 2023-01-23. Review status: criteria provided, single submitter. Criteria: Ambry Variant Classification Scheme 2023. Collection method: clinical testing. Allele origin: germline.

GeneDx
Classification: Likely benign. Last evaluated: 2020-03-19. Review status: criteria provided, single submitter. Criteria: GeneDx Variant Classification Process June 2021. Collection method: clinical testing. Allele origin: germline. Affected: yes.

Mendelics
Classification: Likely benign for AHDC1-related intellectual disability - obstructive sleep apnea - mild dysmorphism syndrome. Last evaluated: 2019-05-28. Review status: criteria provided, single submitter. Criteria: Mendelics Assertion Criteria 2017. Collection method: clinical testing. Allele origin: unknown.

PreventionGenetics, part of Exact Sciences
Classification: Likely benign for AHDC1-related condition. Last evaluated: 2019-02-21. Review status: no assertion criteria provided. Collection method: clinical testing. Allele origin: germline. Not counted in ClinVar's aggregate classification.
Comment: This variant is classified as likely benign based on ACMG/AMP sequence variant interpretation guidelines (Richards et al. 2015 PMID: 25741868, with internal and published modifications).

NM_001371928.1(AHDC1):c.4585C>T (p.Arg1529Cys)

Gene: AHDC1 (AT-hook DNA binding motif containing 1; minus strand). Cytogenetic location: 1p36.11.
Variant type: single nucleotide variant.
Coding change: c.4585C>T on transcript NM_001371928.1 (MANE Select); coding-DNA position 4585, C replaced by T.
Protein change: p.Arg1529Cys; replaces arginine 1529 with cysteine.
Molecular consequence: missense variant.
Genome position (GRCh38, 1-based): chr1:27,547,531, G>A on the plus strand (C>T on the coding strand, the complement: AHDC1 is on the minus strand). VCF-style: chr1-27547531-G-A. GRCh37 (hg19) VCF-style: chr1-27874042-G-A.
Other names: c.4585C>T, p.Arg1529Cys (NM_001029882.3); short protein forms R1529C.
Identifiers: ClinVar variation 801464 (VCV000801464.11), dbSNP rs200178921, ClinGen allele CA715329.